The following is an entry in ClinVar:

ClinVar aggregate classification (germline): Pathogenic (1 of 4 stars; one submission).

Conditions:
Argininosuccinate lyase deficiency. Also called: ARGININOSUCCINIC ACID LYASE DEFICIENCY; ASL DEFICIENCY; Argininosuccinic aciduria. Identifiers: Orphanet 23, MedGen C0268547, MONDO:0008815, OMIM 207900, HP:0025630.

Submission:

Labcorp Genetics (formerly Invitae), Labcorp
Classification: Pathogenic for Argininosuccinate lyase deficiency. Last evaluated: 2021-11-03. Review status: criteria provided, single submitter. Criteria: Invitae Variant Classification Sherloc (09022015). Collection method: clinical testing. Allele origin: germline.
Comment: For these reasons, this variant has been classified as Pathogenic. This variant disrupts a region of the ASL protein in which other variant(s) (p.Arg126Trp) have been determined to be pathogenic (PMID: 24166829; Invitae). This suggests that this is a clinically significant region of the protein, and that variants that disrupt it are likely to be disease-causing. This variant has not been reported in the literature in individuals affected with ASL-related conditions. This variant results in the deletion of exons 4-6 and part of exon 3 (c.160_447-1635del) of the ASL gene. It is expected to disrupt RNA splicing. Variants that disrupt the donor or acceptor splice site typically lead to a loss of protein function (PMID: 16199547), and loss-of-function variants in ASL are known to be pathogenic (PMID: 2263616, 24166829).

Literature cited by the submitters: PubMed 24166829; PubMed 16199547; PubMed 2263616.

NC_000007.13:g.(?_65546932)_(65549932_?)del

Gene: ASL (argininosuccinate lyase; plus strand). Cytogenetic location: 7q11.21.
Variant type: Deletion.
Identifiers: ClinVar variation 1454393 (VCV001454393.4).